The following is an entry in ClinVar:

NM_001330260.2(SCN8A):c.1150G>A (p.Gly384Arg)

Gene: SCN8A (sodium voltage-gated channel alpha subunit 8; plus strand). Cytogenetic location: 12q13.13.
Variant type: single nucleotide variant.
Coding change: c.1150G>A on transcript NM_001330260.2 (MANE Select); coding-DNA position 1150, G replaced by A.
Protein change: p.Gly384Arg; replaces glycine 384 with arginine.
Molecular consequence: missense variant.
Genome position (GRCh38, 1-based): chr12:51,705,432, G>A. VCF-style: chr12-51705432-G-A. GRCh37 (hg19) VCF-style: chr12-52099216-G-A.
Other names: c.1150G>A, p.Gly384Arg (NM_001177984.3, NM_001369788.1, NM_014191.4); c.1150G>A (NM_014191.2); short protein forms G384R.
Identifiers: ClinVar variation 1686170 (VCV001686170.4), dbSNP rs2138748007, ClinGen allele CA385227533.

ClinVar aggregate classification (germline): Conflicting classifications of pathogenicity. Review status: criteria provided, conflicting classifications (1 of 4 stars). 3 submissions from 3 submitters: Pathogenic (1); Uncertain significance (2). Last evaluated 2026-05-28.

Conditions:
Cognitive impairment with or without cerebellar ataxia (CIAT). Identifiers: MedGen C3280415, MONDO:0013680, OMIM 614306.
Early-infantile DEE. Also called: Early infantile epileptic encephalopathy with suppression bursts; Early infantile epileptic encephalopathy; Ohtahara syndrome. Identifiers: Orphanet 1934, MedGen C0393706, MONDO:0800491.
Inborn genetic diseases. Identifiers: MedGen C0950123, MeSH D030342.

Submissions (3):

Ambry Genetics
Classification: Uncertain significance for Inborn genetic diseases. Last evaluated: 2026-05-28. Review status: criteria provided, single submitter. Criteria: Ambry Variant Classification Scheme 2023. Collection method: clinical testing. Allele origin: germline.
Comment: The c.1150G>A (p.G384R) alteration is located in exon 10 (coding exon 9) of the SCN8A gene. This alteration results from a G to A substitution at nucleotide position 1150, causing the glycine (G) at amino acid position 384 to be replaced by an arginine (R). This variant was not reported in population-based cohorts in the Genome Aggregation Database (gnomAD). This variant was reported in individual(s) with features consistent with SCN8A-related neurodevelopmental disorder (Johannesen, 2022). This amino acid position is highly conserved in available vertebrate species. This missense variant is located in a region that has a low rate of benign missense variation (Lek, 2016; Firth, 2009). This alteration is predicted to be deleterious by in silico analysis. Based on insufficient or conflicting evidence, the clinical significance of this alteration remains unclear.

Labcorp Genetics (formerly Invitae), Labcorp
Classification: Uncertain significance for Early-infantile DEE. Last evaluated: 2024-07-08. Review status: criteria provided, single submitter. Criteria: Invitae Variant Classification Sherloc (09022015). Collection method: clinical testing. Allele origin: germline.
Comment: This sequence change replaces glycine, which is neutral and non-polar, with arginine, which is basic and polar, at codon 384 of the SCN8A protein (p.Gly384Arg). This variant is not present in population databases (gnomAD no frequency). This missense change has been observed in individual(s) with intellectual disability (PMID: 34431999). ClinVar contains an entry for this variant (Variation ID: 1686170). Advanced modeling of protein sequence and biophysical properties (such as structural, functional, and spatial information, amino acid conservation, physicochemical variation, residue mobility, and thermodynamic stability) performed at Invitae indicates that this missense variant is expected to disrupt SCN8A protein function with a positive predictive value of 95%. In summary, the available evidence is currently insufficient to determine the role of this variant in disease. Therefore, it has been classified as a Variant of Uncertain Significance.

Mendelics
Classification: Pathogenic for Cognitive impairment with or without cerebellar ataxia. Last evaluated: 2022-05-04. Review status: criteria provided, single submitter. Criteria: Mendelics Assertion Criteria 2019. Collection method: clinical testing. Allele origin: germline.

Literature cited by the submitters: PubMed 30968951 (cited by Ambry Genetics); PubMed 34431999 (cited by Ambry Genetics and Labcorp Genetics (formerly Invitae), Labcorp).